The following is an entry in ClinVar:

NM_006517.5(SLC16A2):c.1106T>C (p.Leu369Pro)

Gene: SLC16A2 (solute carrier family 16 member 2; plus strand). Cytogenetic location: Xq13.2.
Variant type: single nucleotide variant.
Coding change: c.1106T>C on transcript NM_006517.5 (MANE Select); coding-DNA position 1106, T replaced by C.
Protein change: p.Leu369Pro; replaces leucine 369 with proline.
Molecular consequence: missense variant.
Genome position (GRCh38, 1-based): chrX:74,525,829, T>C. VCF-style: chrX-74525829-T-C. GRCh37 (hg19) VCF-style: chrX-73745664-T-C.
Other names: short protein forms L369P.
Identifiers: ClinVar variation 2838399 (VCV002838399.3), dbSNP rs2519807414, ClinGen allele CA413658006.

ClinVar aggregate classification (germline): Uncertain significance (1 of 4 stars; one submission).

Conditions:
Spastic paraplegia. Identifiers: MedGen C0037772, HP:0001258.

Submission:

Labcorp Genetics (formerly Invitae), Labcorp
Classification: Uncertain significance for Spastic paraplegia. Last evaluated: 2023-04-09. Review status: criteria provided, single submitter. Criteria: Invitae Variant Classification Sherloc (09022015). Collection method: clinical testing. Allele origin: germline.
Comment: In summary, the available evidence is currently insufficient to determine the role of this variant in disease. Therefore, it has been classified as a Variant of Uncertain Significance. Advanced modeling of protein sequence and biophysical properties (such as structural, functional, and spatial information, amino acid conservation, physicochemical variation, residue mobility, and thermodynamic stability) performed at Invitae indicates that this missense variant is expected to disrupt SLC16A2 protein function. This variant has not been reported in the literature in individuals affected with SLC16A2-related conditions. This variant is not present in population databases (gnomAD no frequency). This sequence change replaces leucine, which is neutral and non-polar, with proline, which is neutral and non-polar, at codon 369 of the SLC16A2 protein (p.Leu369Pro).